The following is an entry in ClinVar:

ClinVar aggregate classification (germline): Uncertain significance. Review status: criteria provided, multiple submitters, no conflicts (2 of 4 stars). 4 submissions from 4 submitters: Uncertain significance (4). Last evaluated 2026-07-09.

Conditions:
LETM1-related disorder. Also called: LETM1-related condition.
Inborn genetic diseases. Identifiers: MedGen C0950123, MeSH D030342.

Allele frequency attached by ClinVar (database versions not stated): ExAC 0.00007; gnomAD exomes 0.00007 and 0.00011; ESP Exome Variant Server 0.00008; gnomAD 0.00023; TOPMed 0.00051; 1000 Genomes Project 0.00080; 1000 Genomes Project 30x 0.00109.
gnomAD v4.1: 149 of 1,613,992 alleles (0.0092%); highest among the groups gnomAD compares: Admixed American, 0.087%; no homozygotes.

Submissions (4):

PreventionGenetics, part of Exact Sciences
Classification: Uncertain significance for LETM1-related condition. Last evaluated: 2026-07-09. Review status: criteria provided, single submitter. Criteria: ACMG Guidelines, 2015. Collection method: clinical testing. Allele origin: germline.
Comment: The LETM1 c.1667A>G variant is predicted to result in the amino acid substitution p.Gln556Arg. To our knowledge, this variant has not been reported in the literature. This variant is reported in 0.040% of alleles in individuals of Latino descent in gnomAD. At this time, the clinical significance of this variant is uncertain due to the absence of conclusive functional and genetic evidence.

Ambry Genetics
Classification: Uncertain significance for Inborn genetic diseases. Last evaluated: 2025-08-04. Review status: criteria provided, single submitter. Criteria: Ambry Variant Classification Scheme 2023. Collection method: clinical testing. Allele origin: germline.

Labcorp Genetics (formerly Invitae), Labcorp
Classification: Uncertain significance. Last evaluated: 2024-11-04. Review status: criteria provided, single submitter. Criteria: Invitae Variant Classification Sherloc (09022015). Collection method: clinical testing. Allele origin: germline.
Comment: This sequence change replaces glutamine, which is neutral and polar, with arginine, which is basic and polar, at codon 556 of the LETM1 protein (p.Gln556Arg). This variant is present in population databases (rs183323819, gnomAD 0.03%). This variant has not been reported in the literature in individuals affected with LETM1-related conditions. ClinVar contains an entry for this variant (Variation ID: 1360033). An algorithm developed to predict the effect of missense changes on protein structure and function (PolyPhen-2) suggests that this variant¬†is likely to be tolerated. In summary, the available evidence is currently insufficient to determine the role of this variant in disease. Therefore, it has been classified as a Variant of Uncertain Significance.

Dasa
Classification: Uncertain significance. Last evaluated: 2024-06-10. Review status: criteria provided, single submitter. Criteria: DASA Assertion Criteria. Collection method: clinical testing. Allele origin: germline.
Comment: NM_012318.3(LETM1):c.1667A>G (p.Gln556Arg) is a missense variant that results in the substitution of glutamine with arginine. This variant is rare in population databases. Computational prediction algorithms are consistent with a benign effect. The currently available literature and clinical evidence are not sufficient to establish a definitive association between this variant and the reported condition. Therefore, this variant is classified as a variant of uncertain significance.

NM_012318.3(LETM1):c.1667A>G (p.Gln556Arg)

Gene: LETM1 (leucine zipper and EF-hand containing transmembrane protein 1; minus strand). Cytogenetic location: 4p16.3.
Variant type: single nucleotide variant.
Coding change: c.1667A>G on transcript NM_012318.3 (MANE Select); coding-DNA position 1667, A replaced by G.
Protein change: p.Gln556Arg; replaces glutamine 556 with arginine.
Molecular consequence: missense variant.
Genome position (GRCh38, 1-based): chr4:1,819,414, T>C on the plus strand (A>G on the coding strand, the complement: LETM1 is on the minus strand). VCF-style: chr4-1819414-T-C. GRCh37 (hg19) VCF-style: chr4-1821141-T-C.
Other names: c.1667A>G (NM_012318.2); short protein forms Q556R.
Identifiers: ClinVar variation 1360033 (VCV001360033.9), dbSNP rs183323819, ClinGen allele CA2811191.